The following is an entry in ClinVar:

ClinVar aggregate classification (germline): Uncertain significance (1 of 4 stars; one submission).

Conditions:
PLXNA2-related disorder. Also called: PLXNA2-related condition.

Submission:

PreventionGenetics, part of Exact Sciences
Classification: Uncertain significance for PLXNA2-related condition. Last evaluated: 2025-11-06. Review status: criteria provided, single submitter. Criteria: ACMG Guidelines, 2015. Collection method: clinical testing. Allele origin: germline.
Comment: The PLXNA2 c.43_46dupAGCC variant is predicted to result in a frameshift and premature protein termination (p.Arg16Glnfs*30). To our knowledge, this variant has not been reported in the literature or in a large population database (gnomAD), indicating this variant is rare. Loss of function has not been conclusively established as a mechanism for PLXNA2-related disorders. At this time, the clinical significance of this variant is uncertain due to the absence of conclusive functional and genetic evidence.

NM_025179.4(PLXNA2):c.43_46dup (p.Arg16fs)

Gene: PLXNA2 (plexin A2; minus strand). Cytogenetic location: 1q32.2.
Variant type: Duplication.
Coding change: c.43_46dup on transcript NM_025179.4 (MANE Select); coding-DNA positions 43 to 46, 4 bases duplicated (AGCC; older notation c.43_46dupAGCC).
Protein change: p.Arg16fs; shifts the reading frame from arginine 16.
Molecular consequence: frameshift variant.
Genome position (GRCh38, 1-based): chr1:208,217,877-208,217,880, GGCT duplicated on the plus strand (AGCC on the coding strand, the reverse complement: PLXNA2 is on the minus strand); duplicating any 4 consecutive bases within chr1:208,217,877-208,217,881 gives the same sequence; the c. name uses the placement nearest the transcript's 3' end. VCF-style (leftmost placement, unchanged base first): chr1-208217876-C-CGGCT. GRCh37 (hg19) VCF-style: chr1-208391221-C-CGGCT.
Other names: short protein forms R16fs.
Identifiers: ClinVar variation 4998620 (VCV004998620.1).